The following is an entry in ClinVar:

ClinVar aggregate classification (germline): Uncertain significance (1 of 4 stars; one submission).

Conditions:
Nephronophthisis. Also called: Juvenile Nephronophthisis. Identifiers: Orphanet 655, MedGen C0687120, MONDO:0019005, HP:0000090.

Allele frequency attached by ClinVar (database versions not stated): gnomAD exomes below 0.00001; gnomAD 0.00001.
gnomAD v4.1: 1 of 1,614,064 alleles (0.000062%); highest among the groups gnomAD compares: African/African-American, 0.0013%; no homozygotes.

Submission:

Labcorp Genetics (formerly Invitae), Labcorp
Classification: Uncertain significance for Nephronophthisis. Last evaluated: 2022-08-31. Review status: criteria provided, single submitter. Criteria: Invitae Variant Classification Sherloc (09022015). Collection method: clinical testing. Allele origin: germline.
Comment: This sequence change replaces isoleucine, which is neutral and non-polar, with methionine, which is neutral and non-polar, at codon 562 of the INVS protein (p.Ile562Met). This variant is present in population databases (no rsID available, gnomAD 0.007%). This variant has not been reported in the literature in individuals affected with INVS-related conditions. ClinVar contains an entry for this variant (Variation ID: 1043615). Algorithms developed to predict the effect of missense changes on protein structure and function are either unavailable or do not agree on the potential impact of this missense change (SIFT: "Deleterious"; PolyPhen-2: "Probably Damaging"; Align-GVGD: "Class C0"). In summary, the available evidence is currently insufficient to determine the role of this variant in disease. Therefore, it has been classified as a Variant of Uncertain Significance.

NM_014425.5(INVS):c.1686C>G (p.Ile562Met)

Gene: INVS (inversin; plus strand). Cytogenetic location: 9q31.1.
Variant type: single nucleotide variant.
Coding change: c.1686C>G on transcript NM_014425.5 (MANE Select); coding-DNA position 1686, C replaced by G.
Protein change: p.Ile562Met; replaces isoleucine 562 with methionine.
Molecular consequence: missense variant. On other transcripts: non-coding transcript variant (1).
Genome position (GRCh38, 1-based): chr9:100,272,978, C>G. VCF-style: chr9-100272978-C-G. GRCh37 (hg19) VCF-style: chr9-103035260-C-G.
Other names: c.1398C>G, p.Ile466Met (NM_001318381.2); c.708C>G, p.Ile236Met (NM_001318382.2); short protein forms I236M, I562M, I466M.
Identifiers: ClinVar variation 1043615 (VCV001043615.6), dbSNP rs767346175, ClinGen allele CA374238552.
Genomic context (GRCh38, chr9:100,272,978, plus strand): 5'-CATGTTGGAGCACGGTGCCCTGTCCATCGCAGCCATACAAGACATCGCCGCCTTCAAAAT[C>G]CAAGCTGTCTACAAAGGGTACAAGGTCAGAAAAGCCTTCCGAGACAGGAAAAATCTCCTC-3'
Protein context (NP_055240.2, residues 552-572): AAIQDIAAFK[Ile562Met]QAVYKGYKVR